The following is an entry in ClinVar:

NM_001303256.3(MORC2):c.1133A>T (p.Asp378Val)

Gene: MORC2 (MORC family CW-type zinc finger 2; minus strand). Cytogenetic location: 22q12.2.
Variant type: single nucleotide variant.
Coding change: c.1133A>T on transcript NM_001303256.3 (MANE Select); coding-DNA position 1133, A replaced by T.
Protein change: p.Asp378Val; replaces aspartic acid 378 with valine.
Molecular consequence: missense variant.
Genome position (GRCh38, 1-based): chr22:30,938,146, T>A on the plus strand (A>T on the coding strand, the complement: MORC2 is on the minus strand). VCF-style: chr22-30938146-T-A. GRCh37 (hg19) VCF-style: chr22-31334133-T-A.
Other names: c.1133A>T, p.Asp378Val (NM_001303257.2); c.947A>T, p.Asp316Val (NM_014941.3); short protein forms D378V, D316V.
Identifiers: ClinVar variation 1039891 (VCV001039891.7), dbSNP rs2040683848, ClinGen allele CA411239417.

ClinVar aggregate classification (germline): Uncertain significance (1 of 4 stars; one submission).

Conditions:
Charcot-Marie-Tooth disease axonal type 2Z. Also called: CHARCOT-MARIE-TOOTH DISEASE, AXONAL, AUTOSOMAL DOMINANT, TYPE 2Z; CHARCOT-MARIE-TOOTH NEUROPATHY, TYPE 2Z. Identifiers: Orphanet 466768, MedGen C5569025, MONDO:0014736, OMIM 616688.

Submission:

Labcorp Genetics (formerly Invitae), Labcorp
Classification: Uncertain significance for Charcot-Marie-Tooth disease axonal type 2Z. Last evaluated: 2020-07-07. Review status: criteria provided, single submitter. Criteria: Invitae Variant Classification Sherloc (09022015). Collection method: clinical testing. Allele origin: germline.
Comment: Algorithms developed to predict the effect of missense changes on protein structure and function are either unavailable or do not agree on the potential impact of this missense change (SIFT: "Not Available"; PolyPhen-2: "Benign"; Align-GVGD: "Not Available"). This variant has not been reported in the literature in individuals with MORC2-related conditions. This variant is not present in population databases (ExAC no frequency). This sequence change replaces aspartic acid with valine at codon 378 of the MORC2 protein (p.Asp378Val). The aspartic acid residue is moderately conserved and there is a large physicochemical difference between aspartic acid and valine. In summary, the available evidence is currently insufficient to determine the role of this variant in disease. Therefore, it has been classified as a Variant of Uncertain Significance.